The following is an entry in ClinVar:

ClinVar aggregate classification (germline): Uncertain significance (1 of 4 stars; one submission).

Allele frequency attached by ClinVar (database versions not stated): gnomAD exomes below 0.00001; ExAC 0.00001.

Submission:

Labcorp Genetics (formerly Invitae), Labcorp
Classification: Uncertain significance. Last evaluated: 2023-06-23. Review status: criteria provided, single submitter. Criteria: Invitae Variant Classification Sherloc (09022015). Collection method: clinical testing. Allele origin: germline.
Comment: This sequence change creates a premature translational stop signal (p.Leu1121Glyfs*210) in the GRIN2D gene. While this is not anticipated to result in nonsense mediated decay, it is expected to disrupt the last 216 amino acid(s) of the GRIN2D protein. In summary, the available evidence is currently insufficient to determine the role of this variant in disease. Therefore, it has been classified as a Variant of Uncertain Significance. This variant has not been reported in the literature in individuals affected with GRIN2D-related conditions. This variant is present in population databases (rs746596438, gnomAD 0.001%).

NM_000836.4(GRIN2D):c.3361_3362del (p.Leu1121fs)

Gene: GRIN2D (glutamate ionotropic receptor NMDA type subunit 2D; plus strand). Cytogenetic location: 19q13.33.
Variant type: Deletion.
Coding change: c.3361_3362del on transcript NM_000836.4 (MANE Select); coding-DNA positions 3361 to 3362, 2 bases deleted (CT; older notation c.3361_3362delCT).
Protein change: p.Leu1121fs; shifts the reading frame from leucine 1121.
Molecular consequence: frameshift variant.
Genome position (GRCh38, 1-based): chr19:48,443,287-48,443,288, CT deleted. VCF-style (leftmost placement, unchanged base first): chr19-48443286-CCT-C. GRCh37 (hg19) VCF-style: chr19-48946543-CCT-C.
Other names: short protein forms L1121fs.
Identifiers: ClinVar variation 2726769 (VCV002726769.3), dbSNP rs746596438, ClinGen allele CA9550839.